The following is an entry in ClinVar:

ClinVar aggregate classification (germline): Uncertain significance (1 of 4 stars; one submission).

gnomAD v4.1: 1 of 1,614,058 alleles (0.000062%); highest among the groups gnomAD compares: African/African-American, 0.0013%; no homozygotes.

Submission:

Labcorp Genetics (formerly Invitae), Labcorp
Classification: Uncertain significance. Last evaluated: 2024-12-28. Review status: criteria provided, single submitter. Criteria: Invitae Variant Classification Sherloc (09022015). Collection method: clinical testing. Allele origin: germline.
Comment: This sequence change replaces glutamic acid, which is acidic and polar, with glutamine, which is neutral and polar, at codon 1632 of the FLNB protein (p.Glu1632Gln). This variant is not present in population databases (gnomAD no frequency). This variant has not been reported in the literature in individuals affected with FLNB-related conditions. Invitae Evidence Modeling of protein sequence and biophysical properties (such as structural, functional, and spatial information, amino acid conservation, physicochemical variation, residue mobility, and thermodynamic stability) indicates that this missense variant is not expected to disrupt FLNB protein function with a negative predictive value of 95%. In summary, the available evidence is currently insufficient to determine the role of this variant in disease. Therefore, it has been classified as a Variant of Uncertain Significance.

NM_001457.4(FLNB):c.4894G>C (p.Glu1632Gln)

Gene: FLNB (filamin B; plus strand). Cytogenetic location: 3p14.3.
Variant type: single nucleotide variant.
Coding change: c.4894G>C on transcript NM_001457.4 (MANE Select); coding-DNA position 4894, G replaced by C.
Protein change: p.Glu1632Gln; replaces glutamic acid 1632 with glutamine.
Molecular consequence: missense variant.
Genome position (GRCh38, 1-based): chr3:58,138,314, G>C. VCF-style: chr3-58138314-G-C. GRCh37 (hg19) VCF-style: chr3-58124041-G-C.
Other names: c.4987G>C, p.Glu1663Gln (NM_001164317.2); c.4894G>C, p.Glu1632Gln (NM_001164318.2, NM_001164319.2); short protein forms E1632Q, E1663Q.
Identifiers: ClinVar variation 3679349 (VCV003679349.2).